The following is an entry in ClinVar:

NM_005536.4(IMPA1):c.504A>G (p.Thr168=)

Gene: IMPA1 (inositol monophosphatase 1; minus strand). Cytogenetic location: 8q21.13.
Variant type: single nucleotide variant.
Coding change: c.504A>G on transcript NM_005536.4 (MANE Select); coding-DNA position 504, A replaced by G.
Protein change: p.Thr168=; no amino-acid change (threonine 168 retained).
Molecular consequence: synonymous variant. On other transcripts: intron variant (1).
Genome position (GRCh38, 1-based): chr8:81,671,001, T>C on the plus strand (A>G on the coding strand, the complement: IMPA1 is on the minus strand). VCF-style: chr8-81671001-T-C. GRCh37 (hg19) VCF-style: chr8-82583236-T-C.
Other names: c.681A>G, p.Thr227= (NM_001144878.2); c.457+2840A>G (NM_001144879.2).
Identifiers: ClinVar variation 3388239 (VCV003388239.14).

ClinVar aggregate classification (germline): Likely benign (1 of 4 stars; one submission).

gnomAD v4.1: 92 of 1,532,926 alleles (0.006%); highest among the groups gnomAD compares: Middle Eastern, 0.068%; no homozygotes.

Submission:

CeGaT Center for Human Genetics Tuebingen
Classification: Likely benign. Last evaluated: 2024-09-01. Review status: criteria provided, single submitter. Criteria: CeGaT Center For Human Genetics Tuebingen Variant Classification Criteria Version 2. Collection method: clinical testing. Allele origin: germline. Affected: yes. Observed: 1 variant allele.
Comment: IMPA1: BP4, BP7